The following is an entry in ClinVar:

NM_000512.5(GALNS):c.1460A>T (p.Asn487Ile)

Genes: GALNS (galactosamine (N-acetyl)-6-sulfatase; minus strand), LOC126862447 (CDK7 strongly-dependent group 2 enhancer GRCh37_chr16:88884193-88885392; plus strand). Cytogenetic location: 16q24.3.
Variant type: single nucleotide variant.
Coding change: c.1460A>T on transcript NM_000512.5 (MANE Select); coding-DNA position 1460, A replaced by T.
Protein change: p.Asn487Ile; replaces asparagine 487 with isoleucine.
Molecular consequence: missense variant.
Genome position (GRCh38, 1-based): chr16:88,818,029, T>A on the plus strand (A>T on the coding strand, the complement: GALNS is on the minus strand). VCF-style: chr16-88818029-T-A. GRCh37 (hg19) VCF-style: chr16-88884437-T-A.
Other names: c.905A>T, p.Asn302Ile (NM_001323543.2); c.1478A>T, p.Asn493Ile (NM_001323544.2); short protein forms N302I, N487I, N493I.
Identifiers: ClinVar variation 1048243 (VCV001048243.3), dbSNP rs118204440, ClinGen allele CA397094162.

ClinVar aggregate classification (germline): Uncertain significance (1 of 4 stars; one submission).

Conditions:
Mucopolysaccharidosis, MPS-IV-A (MPS4A). Also called: Mucopolysaccharidosis type IV A; Mucopolysaccharidosis Type IVA; Morquio syndrome A, mild; MORQUIO SYNDROME A; MPS IVA; mucopolysaccharidosis type 4A. Identifiers: Orphanet 309297, Orphanet 582, MedGen C0086651, MONDO:0009659, OMIM 253000.

Submission:

Laboratory of Diagnosis and Therapy of Lysosomal Disorders, University of Padova
Classification: Uncertain significance for Mucopolysaccharidosis, MPS-IV-A. Last evaluated: 2021-02-01. Review status: criteria provided, single submitter. Criteria: ACMG Guidelines, 2015. Collection method: curation. Allele origin: germline. Affected: yes.
Comment: In vivo functional studies supportive of a damaging effect on the gene product (low to null enzymatic activity in homozygotes; PS3_supporting); absent from gnomAD v2.1.1 (PM2_moderate); multiple lines of computational evidence support a deleterious effect on the gene (PP3_supporting)

Literature cited by the submitters: PubMed 25545067; PubMed 34387910.